The following is an entry in ClinVar:

ClinVar aggregate classification (germline): Uncertain significance. Review status: criteria provided, multiple submitters, no conflicts (2 of 4 stars). 5 submissions from 5 submitters: Uncertain significance (4). 1 of the submissions does not count toward it. Last evaluated 2025-06-04.

Conditions:
Dilated cardiomyopathy 1G (CMD1G). Identifiers: Orphanet 154, MedGen C1858763, MONDO:0011400, OMIM 604145.
Myopathy, myofibrillar, 9, with early respiratory failure (MFM9). Also called: MYOPATHY, PROXIMAL, WITH EARLY RESPIRATORY MUSCLE INVOLVEMENT; Myopathy, distal, with early respiratory failure, autosomal dominant; Hereditary myopathy with early respiratory failure; EDSTROM MYOPATHY. Identifiers: Orphanet 178464, Orphanet 34521, MedGen C1863599, MONDO:0011362, OMIM 603689.
Early-onset myopathy with fatal cardiomyopathy (CMYO5). Also called: Salih Myopathy; CONGENITAL MYOPATHY 5 WITH CARDIOMYOPATHY. Identifiers: Orphanet 289377, MedGen C2673677, MONDO:0012714, OMIM 611705. Disease mechanism: loss of function.
Hypertrophic cardiomyopathy 9. Also called: Familial hypertrophic cardiomyopathy 9. Identifiers: MedGen C1861065, MONDO:0013412, OMIM 613765.
Autosomal recessive limb-girdle muscular dystrophy type 2J (LGMDR10). Also called: Limb-girdle muscular dystrophy, type 2J; MUSCULAR DYSTROPHY, LIMB-GIRDLE, AUTOSOMAL RECESSIVE 10. Identifiers: Orphanet 140922, MedGen C1837342, MONDO:0012127, OMIM 608807.
Tibial muscular dystrophy (TMD). Also called: Tibial muscular dystrophy, tardive; Udd Distal Myopathy – Tibial Muscular Dystrophy; UDD MYOPATHY. Identifiers: Orphanet 609, MedGen C1838244, MONDO:0010870, OMIM 600334.
Tip-toe gait. Also called: Toe walking. Identifiers: MedGen C0427144, HP:0030051.
Hypertrophic cardiomyopathy. Also called: HYPERTROPHIC MYOCARDIOPATHY. Identifiers: Orphanet 217569, MedGen C0007194, MeSH D002312, MONDO:0005045, HP:0001639.

Allele frequency attached by ClinVar (database versions not stated): gnomAD 0.00001; TOPMed 0.00001; gnomAD exomes 0.00002 and 0.00003; ExAC 0.00003.
gnomAD v4.1: 37 of 1,612,790 alleles (0.0023%); highest among the groups gnomAD compares: Non-Finnish European, 0.0031%; no homozygotes.

Submissions (5):

Revvity Omics, Revvity
Classification: Uncertain significance. Last evaluated: 2025-06-04. Review status: criteria provided, single submitter. Criteria: ACMG Guidelines, 2015. Collection method: clinical testing. Allele origin: germline.

Fulgent Genetics
Classification: Uncertain significance for Tibial muscular dystrophy; Myopathy, myofibrillar, 9, with early respiratory failure; Dilated cardiomyopathy 1G; Autosomal recessive limb-girdle muscular dystrophy type 2J; Early-onset myopathy with fatal cardiomyopathy; Hypertrophic cardiomyopathy 9. Last evaluated: 2021-08-08. Review status: criteria provided, single submitter. Criteria: ACMG Guidelines, 2015. Collection method: clinical testing. Allele origin: unknown.

CeGaT Center for Human Genetics Tuebingen
Classification: Uncertain significance. Last evaluated: 2016-05-01. Review status: criteria provided, single submitter. Criteria: CeGaT Center For Human Genetics Tuebingen Variant Classification Criteria Version 2. Collection method: clinical testing. Allele origin: germline. Affected: yes. Observed: 1 variant allele.

Genetics and Genomics Program, Sidra Medicine
Classification: Uncertain significance for Hypertrophic cardiomyopathy. Review status: criteria provided, single submitter. Criteria: ACMG Guidelines, 2015. Collection method: research. Allele origin: unknown. Affected: yes. Observed: 1 variant allele.

Practice for Gait Abnormalities, David Pomarino, Competency Network Toe Walking C/o Practice Pomarino
Classification: Likely pathogenic for Tip-toe gait. Review status: no assertion criteria provided. Collection method: clinical testing. Allele origin: germline. Affected: yes. Not counted in ClinVar's aggregate classification.
Comment: Myopathy refers to diseases that affect skeletal Muscles. These diseases attack muscle fibers, making muscles weak. Inherited myopathies are often caused by inheriting an abnormal gene mutation from a parent that causes the disease. Symptoms of congenital myopathies usually start at birth or in early childhood, but may not appear until the teen years or even later in adulthood. Congenital myopathies are somewhat unique compared with other inherited myopathies, as weakness typically affects all muscles and is often not progressive. Symptoms are: Muscle weakness, most commonly of upper arms and shoulders and thighs, muscle cramps, stiffness and spasms, fatigue with exertion and lack of energy. Our patients all walk on tiptoe, so they show similar symptoms. When we genetically test them with our toe walking panel, we find that around 90 per cent of them have a genetic variant that explains their toe walking. These can be assigned, for example, to the area of myopathies (such as variants of the COL6A3 gene), the area of hereditary neuropathies (such as variants of the KMT2C gene) or the area of metabolic diseases (such as variants of the PYGM gene). In a smaller group of patients with almost identical symptoms, no abnormality is found in the genes of our panel, but spastic paraplegia can be detected. In another small group of our toe walkers, no abnormalities can be detected in the genes analysed in our toe walking panel, nor do they suffer from spastic paraplegia, as is also the case with healthy children. In contrast to these, however, they show a tiptoe gait. These patients suffer from infantile cerebral palsy, in which toe walking can also be observed.

Literature cited by the submitters: PubMed 37091313 (cited by Practice for Gait Abnormalities, David Pomarino, Competency Network Toe Walking C/o Practice Pomarino).

NM_001267550.2(TTN):c.20395C>T (p.Arg6799Trp)

Gene: TTN (titin; minus strand). Cytogenetic location: 2q31.2.
Variant type: single nucleotide variant.
Coding change: c.20395C>T on transcript NM_001267550.2 (MANE Select); coding-DNA position 20395, C replaced by T.
Protein change: p.Arg6799Trp; replaces arginine 6799 with tryptophan.
Molecular consequence: missense variant. On other transcripts: intron variant (3).
Genome position (GRCh38, 1-based): chr2:178,725,927, G>A on the plus strand (C>T on the coding strand, the complement: TTN is on the minus strand). VCF-style: chr2-178725927-G-A. GRCh37 (hg19) VCF-style: chr2-179590654-G-A.
Other names: c.19444C>T, p.Arg6482Trp (NM_001256850.1); c.16663C>T, p.Arg5555Trp (NM_133378.4); c.13282+12155C>T (NM_003319.4); c.13858+12155C>T (NM_133437.4); c.13657+12155C>T (NM_133432.3); short protein forms R5555W, R6799W, R6482W.
Identifiers: ClinVar variation 809053 (VCV000809053.49), dbSNP rs751534449, ClinGen allele CA2001220.
Genomic context (GRCh38, chr2:178,725,927, plus strand): 5'-GAATACTTGTGTGGAAGTTTTTGGATGCAATCTTGTATTTCTTGCTGCTTCTGAGTTGCC[G>A]CTTGTCTTTGTACCATACCACCTCAAACGGTGGTGTTCCCGAAAGTTCACATTCAAGACT-3'
Protein context (NP_001254479.2, residues 6789-6809): PFEVVWYKDK[Arg6799Trp]QLRSSKKYKI